The following is an entry in ClinVar:

NM_000719.7(CACNA1C):c.3830A>G (p.His1277Arg)

Gene: CACNA1C (calcium voltage-gated channel subunit alpha1 C; plus strand). Cytogenetic location: 12p13.33.
Variant type: single nucleotide variant.
Coding change: c.3830A>G on transcript NM_000719.7 (MANE Select); coding-DNA position 3830, A replaced by G.
Protein change: p.His1277Arg; replaces histidine 1277 with arginine.
Molecular consequence: missense variant. On other transcripts: intron variant (6).
Genome position (GRCh38, 1-based): chr12:2,634,298, A>G. VCF-style: chr12-2634298-A-G. GRCh37 (hg19) VCF-style: chr12-2743464-A-G.
Other names: c.3974A>G, p.His1325Arg (NM_001129827.2, NM_199460.4); c.3830A>G, p.His1277Arg (NM_001129829.2, NM_001129830.3, NM_001129834.2 and 8 more transcripts); c.3914A>G, p.His1305Arg (NM_001129831.2, NM_001129836.2); c.3890A>G, p.His1297Arg (NM_001129832.2); c.3912+586A>G (NM_001167624.3, NM_001167623.2, NM_001129833.2 and 2 more transcripts); c.3903+586A>G (NM_001129844.2); short protein forms H1277R, H1297R, H1305R, H1325R.
Identifiers: ClinVar variation 1712772 (VCV001712772.4), dbSNP rs2524403878, ClinGen allele CA383380035.

ClinVar aggregate classification (germline): Uncertain significance. Review status: criteria provided, multiple submitters, no conflicts (2 of 4 stars). 2 submissions from 2 submitters: Uncertain significance (2). Last evaluated 2024-02-18.

Conditions:
Long QT syndrome (LQTS). Identifiers: MedGen C0023976, MeSH D008133, MONDO:0002442. Disease mechanism: loss of function. Inheritance: Various modes of inheritance.

Submissions (2):

Labcorp Genetics (formerly Invitae), Labcorp
Classification: Uncertain significance for Long QT syndrome. Last evaluated: 2024-02-18. Review status: criteria provided, single submitter. Criteria: Invitae Variant Classification Sherloc (09022015). Collection method: clinical testing. Allele origin: germline.
Comment: This sequence change replaces histidine, which is basic and polar, with arginine, which is basic and polar, at codon 1277 of the CACNA1C protein (p.His1277Arg). This variant is not present in population databases (gnomAD no frequency). This variant has not been reported in the literature in individuals affected with CACNA1C-related conditions. ClinVar contains an entry for this variant (Variation ID: 1712772). An algorithm developed to predict the effect of missense changes on protein structure and function (PolyPhen-2) suggests that this variant is likely to be tolerated. In summary, the available evidence is currently insufficient to determine the role of this variant in disease. Therefore, it has been classified as a Variant of Uncertain Significance.

GeneDx
Classification: Uncertain significance. Last evaluated: 2022-04-29. Review status: criteria provided, single submitter. Criteria: GeneDx Variant Classification Process June 2021. Collection method: clinical testing. Allele origin: germline. Affected: yes.
Comment: Identified in a publication regarding genetic variation and pharmacology, however clinical and segregation data was not provided (Ferraro et al., 2005); In silico analysis supports that this missense variant has a deleterious effect on protein structure/function; Not observed at significant frequency in large population cohorts (gnomAD); This variant is associated with the following publications: (PMID: 15979945)